The following is an entry in ClinVar:

ClinVar aggregate classification (germline): Pathogenic (1 of 4 stars; one submission).

Conditions:
Hyperornithinemia-hyperammonemia-homocitrullinuria syndrome (HHHS). Also called: HHH SYNDROME; Ornithine translocase deficiency. Identifiers: Orphanet 415, MedGen C0268540, MONDO:0009393, OMIM 238970.

Submission:

Labcorp Genetics (formerly Invitae), Labcorp
Classification: Pathogenic for Hyperornithinemia-hyperammonemia-homocitrullinuria syndrome. Last evaluated: 2021-08-04. Review status: criteria provided, single submitter. Criteria: Invitae Variant Classification Sherloc (09022015). Collection method: clinical testing. Allele origin: germline.
Comment: This variant is a gross deletion of the genomic region encompassing exon(s) 4-7 of the SLC25A15 gene. The 5' boundary is likely confined to intron 3. The 3' end of this event is unknown as it extends through the termination codon beyond the assayed region for this gene and may encompass additional genes. While this deletion is not anticipated to lead to nonsense mediated decay, it is expected to alter mRNA translation or result in a truncated protein product. A similar copy number variant has been observed in individual(s) with hyperornithinemia-hyperammonemia-homocitrullinuria syndrome (Invitae). This variant disrupts a region of the SLC25A15 protein in which other variant(s) (p.Met137Cysfs*10) have been determined to be pathogenic (PMID: 10805333, 11355015, 12807890, 19242930, 24473688). This suggests that this is a clinically significant region of the protein, and that variants that disrupt it are likely to be disease-causing. For these reasons, this variant has been classified as Pathogenic.

Literature cited by the submitters: PubMed 10805333; PubMed 11355015; PubMed 12807890; PubMed 19242930; PubMed 24473688.

NC_000013.10:g.(?_41379234)_(41383823_?)del

Gene: SLC25A15 (solute carrier family 25 member 15; plus strand). Cytogenetic location: 13q14.11.
Variant type: Deletion.
Identifiers: ClinVar variation 2425929 (VCV002425929.3).